The following is an entry in ClinVar:

NM_002458.3(MUC5B):c.101A>G (p.Glu34Gly)

Gene: MUC5B (mucin 5B, oligomeric mucus/gel-forming; plus strand). Cytogenetic location: 11p15.5.
Variant type: single nucleotide variant.
Coding change: c.101A>G on transcript NM_002458.3 (MANE Select); coding-DNA position 101, A replaced by G.
Protein change: p.Glu34Gly; replaces glutamic acid 34 with glycine.
Molecular consequence: missense variant.
Genome position (GRCh38, 1-based): chr11:1,225,711, A>G. VCF-style: chr11-1225711-A-G. GRCh37 (hg19) VCF-style: chr11-1246941-A-G.
Other names: short protein forms E34G.
Identifiers: ClinVar variation 163990 (VCV000163990.8), dbSNP rs2672785, ClinGen allele CA176745.

ClinVar aggregate classification (germline): Benign. Review status: criteria provided, multiple submitters, no conflicts (2 of 4 stars). 3 submissions from 3 submitters: Benign (3). Last evaluated 2018-11-12.

Allele frequency attached by ClinVar (database versions not stated): TOPMed 0.26293; 1000 Genomes Project 30x 0.32105; gnomAD exomes 0.23060 and 0.26258; gnomAD 0.26755 and 0.26930; ESP Exome Variant Server 0.23407; 1000 Genomes Project 0.32748; ExAC 0.32506.
gnomAD v4.1: 376,377 of 1,603,608 alleles (23%); highest among the groups gnomAD compares: East Asian, 48%; 47,266 homozygotes.

Submissions (3):

GeneDx
Classification: Benign. Last evaluated: 2018-11-12. Review status: criteria provided, single submitter. Criteria: GeneDx Variant Classification Process June 2021. Collection method: clinical testing. Allele origin: germline. Affected: yes.

Laboratory for Molecular Medicine, Mass General Brigham Personalized Medicine
Classification: Benign. Last evaluated: 2013-02-21. Review status: criteria provided, single submitter. Criteria: LMM Criteria. Collection method: clinical testing. Allele origin: germline. Observed: 62 variant alleles.
Comment: Glu34Gly in exon 2 of MUC5B: This variant is not expected to have clinical signi ficance because it has been identified in 29.6% (1174/3972) of African American chromosomes from a broad population by the NHLBI Exome Sequencing Project (dbSNP rs2672785).

Breakthrough Genomics
Classification: Benign. Review status: criteria provided, single submitter. Criteria: ACMG Guidelines, 2015. Collection method: not provided. Allele origin: germline. Inheritance: Autosomal dominant inheritance. Affected: yes.